The following is an entry in ClinVar:

ClinVar aggregate classification (germline): Uncertain significance (1 of 4 stars; one submission).

Conditions:
Hereditary pancreatitis (PCTT). Also called: Hereditary chronic pancreatitis; PRSS1-Related Hereditary Pancreatitis. Identifiers: Orphanet 676, MedGen C0238339, MONDO:0008185, OMIM 167800.

Submission:

Ambry Genetics
Classification: Uncertain significance for Hereditary pancreatitis. Last evaluated: 2025-12-11. Review status: criteria provided, single submitter. Criteria: Ambry Variant Classification Scheme 2023. Collection method: clinical testing. Allele origin: germline.
Comment: The c.-5G>A variant is located in the 5' untranslated region (5&rsquo; UTR) of the CPA1 gene. This variant results from a G to A substitution 5 bases upstream from the first translated codon. This nucleotide position is not well conserved in available vertebrate species. Based on the available evidence, the clinical significance of this variant remains unclear.

NM_001868.4(CPA1):c.-5G>A

Gene: CPA1 (carboxypeptidase A1; plus strand). Cytogenetic location: 7q32.2.
Variant type: single nucleotide variant.
Coding change: c.-5G>A on transcript NM_001868.4 (MANE Select); 5 bases upstream of the start codon, G replaced by A.
Molecular consequence: 5 prime UTR variant.
Genome position (GRCh38, 1-based): chr7:130,380,516, G>A. VCF-style: chr7-130380516-G-A. GRCh37 (hg19) VCF-style: chr7-130020357-G-A.
Identifiers: ClinVar variation 4559719 (VCV004559719.1).
Genomic context (GRCh38, chr7:130,380,516, plus strand): 5'-CTGGGAGGGTTTAAAAGCCAGGGGGCCGTCTCGACCTCAGTCTGACCTTCCCTCCCGGCA[G>A]CAGCATGCGGGGGTTGCTGGTGTTGAGTGTCCTGTTGGGGGCTGTCTTTGGCAAGGAGGA-3'